The following is an entry in ClinVar:

ClinVar aggregate classification (germline): Uncertain significance (1 of 4 stars; one submission).

Conditions:
Hereditary cancer-predisposing syndrome. Also called: Neoplastic Syndromes, Hereditary; Tumor predisposition; Hereditary neoplastic syndrome; Hereditary Cancer Syndrome. Identifiers: Orphanet 140162, MedGen C0027672, MeSH D009386, MONDO:0015356.

Submission:

Ambry Genetics
Classification: Uncertain significance for Hereditary cancer-predisposing syndrome. Last evaluated: 2023-12-18. Review status: criteria provided, single submitter. Criteria: Ambry Variant Classification Scheme 2023. Collection method: clinical testing. Allele origin: germline.
Comment: The p.V917E variant (also known as c.2750T>A), located in coding exon 10 of the BRCA2 gene, results from a T to A substitution at nucleotide position 2750. The valine at codon 917 is replaced by glutamic acid, an amino acid with dissimilar properties. This amino acid position is conserved. In addition, this alteration is predicted to be tolerated by in silico analysis. Since supporting evidence is limited at this time, the clinical significance of this alteration remains unclear.

NM_000059.4(BRCA2):c.2750T>A (p.Val917Glu)

Gene: BRCA2 (BRCA2 DNA repair associated; plus strand). Cytogenetic location: 13q13.1.
Variant type: single nucleotide variant.
Coding change: c.2750T>A on transcript NM_000059.4 (MANE Select); coding-DNA position 2750, T replaced by A.
Protein change: p.Val917Glu; replaces valine 917 with glutamic acid.
Molecular consequence: missense variant. On other transcripts: non-coding transcript variant (1), intron variant (2).
Genome position (GRCh38, 1-based): chr13:32,337,105, T>A. VCF-style: chr13-32337105-T-A. GRCh37 (hg19) VCF-style: chr13-32911242-T-A.
Other names: c.2750T>A, p.Val917Glu (NM_001406719.1, NM_001406720.1); c.1909+3718T>A (NM_001406721.1); c.424+6075T>A (NM_001406722.1); short protein forms V917E.
Identifiers: ClinVar variation 3226049 (VCV003226049.1), dbSNP rs2072463944, ClinGen allele CA387773639.